The following is an entry in ClinVar:

ClinVar aggregate classification (germline): Benign. Review status: criteria provided, multiple submitters, no conflicts (2 of 4 stars). 7 submissions from 7 submitters: Benign (7). Last evaluated 2026-02-04.

Conditions:
Intestinal hypomagnesemia 1. Also called: HYPOMAGNESEMIA, INTESTINAL, WITH SECONDARY HYPOCALCEMIA; HYPOMAGNESEMIC TETANY. Identifiers: Orphanet 30924, MedGen C1865974, MONDO:0011176, OMIM 602014.

Allele frequency attached by ClinVar (database versions not stated): ESP Exome Variant Server 0.13509; gnomAD 0.15921 and 0.17106; TOPMed 0.17548; gnomAD exomes 0.20032 and 0.24933; ExAC 0.23503; 1000 Genomes Project 30x 0.26031; 1000 Genomes Project 0.26837.
gnomAD v4.1: 318,908 of 1,613,082 alleles (20%); highest among the groups gnomAD compares: East Asian, 44%; 37,308 homozygotes.

Submissions (7):

Labcorp Genetics (formerly Invitae), Labcorp
Classification: Benign. Last evaluated: 2026-02-04. Review status: criteria provided, single submitter. Criteria: Invitae Variant Classification Sherloc (09022015). Collection method: clinical testing. Allele origin: germline.

Blueprint Genetics
Classification: Benign. Last evaluated: 2024-11-27. Review status: criteria provided, single submitter. Criteria: ACMG Guidelines, 2015. Collection method: clinical testing. Allele origin: germline.

Mayo Clinic Laboratories, Mayo Clinic
Classification: Benign. Last evaluated: 2022-03-09. Review status: criteria provided, single submitter. Criteria: ACMG Guidelines, 2015. Collection method: clinical testing. Allele origin: germline. Observed: 64 variant alleles.

Genome-Nilou Lab
Classification: Benign for Intestinal hypomagnesemia 1. Last evaluated: 2021-09-10. Review status: criteria provided, single submitter. Criteria: ACMG Guidelines, 2015. Collection method: clinical testing. Allele origin: germline. Affected: no.

GeneDx
Classification: Benign. Last evaluated: 2018-11-12. Review status: criteria provided, single submitter. Criteria: GeneDx Variant Classification Process June 2021. Collection method: clinical testing. Allele origin: germline. Affected: yes.

Illumina Laboratory Services, Illumina
Classification: Benign for Intestinal hypomagnesemia 1. Last evaluated: 2018-01-12. Review status: criteria provided, single submitter. Criteria: ICSL Variant Classification Criteria 13 December 2019. Collection method: clinical testing. Allele origin: germline.
Comment: This variant was observed in the ICSL laboratory as part of a predisposition screen in an ostensibly healthy population. It had not been previously curated by ICSL or reported in the Human Gene Mutation Database (HGMD: prior to June 1st, 2018), and was therefore a candidate for classification through an automated scoring system. Utilizing variant allele frequency, disease prevalence and penetrance estimates, and inheritance mode, an automated score was calculated to assess if this variant is too frequent to cause the disease. Based on the score and internal cut-off values, a variant classified as benign is not then subjected to further curation. The score for this variant resulted in a classification of benign for this disease.

Breakthrough Genomics
Classification: Benign. Review status: criteria provided, single submitter. Criteria: ACMG Guidelines, 2015. Collection method: not provided. Allele origin: germline. Inheritance: Autosomal recessive inheritance. Affected: yes.

NM_017662.5(TRPM6):c.2442G>A (p.Gln814=)

Gene: TRPM6 (transient receptor potential cation channel subfamily M member 6; minus strand). Cytogenetic location: 9q21.13.
Variant type: single nucleotide variant.
Coding change: c.2442G>A on transcript NM_017662.5 (MANE Select); coding-DNA position 2442, G replaced by A.
Protein change: p.Gln814=; no amino-acid change (glutamine 814 retained).
Molecular consequence: synonymous variant.
Genome position (GRCh38, 1-based): chr9:74,792,720, C>T on the plus strand (G>A on the coding strand, the complement: TRPM6 is on the minus strand). VCF-style: chr9-74792720-C-T. GRCh37 (hg19) VCF-style: chr9-77407636-C-T.
Other names: p.Gln814=; c.2427G>A, p.Gln809= (NM_001177310.2, NM_001177311.2).
Identifiers: ClinVar variation 367314 (VCV000367314.20), dbSNP rs4145894, ClinGen allele CA5084558.